The following is an entry in ClinVar:

ClinVar aggregate classification (germline): Uncertain significance. Review status: criteria provided, multiple submitters, no conflicts (2 of 4 stars). 2 submissions from 2 submitters: Uncertain significance (2). Last evaluated 2025-10-27.

Conditions:
Inborn genetic diseases. Identifiers: MedGen C0950123, MeSH D030342.

gnomAD v4.1: 14 of 1,613,328 alleles (0.00087%); highest among the groups gnomAD compares: African/African-American, 0.019%; no homozygotes.

Submissions (2):

Labcorp Genetics (formerly Invitae), Labcorp
Classification: Uncertain significance. Last evaluated: 2025-10-27. Review status: criteria provided, single submitter. Criteria: Invitae Variant Classification Sherloc (09022015). Collection method: clinical testing. Allele origin: germline.
Comment: This sequence change replaces asparagine, which is neutral and polar, with aspartic acid, which is acidic and polar, at codon 654 of the PHF21A protein (p.Asn654Asp). This variant is present in population databases (rs759310849, gnomAD 0.02%). This variant has not been reported in the literature in individuals affected with PHF21A-related conditions. Invitae Evidence Modeling of protein sequence and biophysical properties (such as structural, functional, and spatial information, amino acid conservation, physicochemical variation, residue mobility, and thermodynamic stability) indicates that this missense variant is not expected to disrupt PHF21A protein function with a negative predictive value of 80%. In summary, the available evidence is currently insufficient to determine the role of this variant in disease. Therefore, it has been classified as a Variant of Uncertain Significance.

Ambry Genetics
Classification: Uncertain significance for Inborn genetic diseases. Last evaluated: 2025-10-01. Review status: criteria provided, single submitter. Criteria: Ambry Variant Classification Scheme 2023. Collection method: clinical testing. Allele origin: germline.

NM_001352027.3(PHF21A):c.1963A>G (p.Asn655Asp)

Gene: PHF21A (PHD finger protein 21A; minus strand). Cytogenetic location: 11p11.2.
Variant type: single nucleotide variant.
Coding change: c.1963A>G on transcript NM_001352027.3 (MANE Select); coding-DNA position 1963, A replaced by G.
Protein change: p.Asn655Asp; replaces asparagine 655 with aspartic acid.
Molecular consequence: missense variant. On other transcripts: non-coding transcript variant (2).
Genome position (GRCh38, 1-based): chr11:45,934,051, T>C on the plus strand (A>G on the coding strand, the complement: PHF21A is on the minus strand). VCF-style: chr11-45934051-T-C. GRCh37 (hg19) VCF-style: chr11-45955602-T-C.
Other names: c.1960A>G, p.Asn654Asp (NM_001101802.3); c.1963A>G, p.Asn655Asp (NM_001352025.3, NM_001352026.3, NM_001441170.1); c.1822A>G, p.Asn608Asp (NM_001352028.1, NM_001352029.1, NM_016621.5); c.1819A>G, p.Asn607Asp (NM_001352030.3, NM_001352031.3, NM_001352032.3); c.1984A>G, p.Asn662Asp (NM_001441167.1, NM_001441168.1); c.1981A>G, p.Asn661Asp (NM_001441169.1); c.1804A>G, p.Asn602Asp (NM_001441171.1); c.1711A>G, p.Asn571Asp (NM_001441172.1); short protein forms N571D, N607D, N655D, N602D, N661D, N662D, N608D, N654D.
Identifiers: ClinVar variation 4627364 (VCV004627364.2).